The following is an entry in ClinVar:

NM_153240.5(NPHP3):c.*1020T>C

Genes: NPHP3 (nephrocystin 3; minus strand), NPHP3-ACAD11 (NPHP3-ACAD11 readthrough (NMD candidate); minus strand). Cytogenetic location: 3q22.1.
Variant type: single nucleotide variant.
Coding change: c.*1020T>C on transcript NM_153240.5 (MANE Select); 1020 bases downstream of the stop codon, T replaced by C.
Molecular consequence: 3 prime UTR variant.
Genome position (GRCh38, 1-based): chr3:132,680,890, A>G on the plus strand (T>C on the coding strand, the complement: NPHP3 is on the minus strand). VCF-style: chr3-132680890-A-G. GRCh37 (hg19) VCF-style: chr3-132399734-A-G.
Identifiers: ClinVar variation 343357 (VCV000343357.5), dbSNP rs186828918, ClinGen allele CA10617278.

ClinVar aggregate classification (germline): Conflicting classifications of pathogenicity. Review status: criteria provided, conflicting classifications (1 of 4 stars). 3 submissions from 1 submitter: Uncertain significance (2); Likely benign (1). Last evaluated 2018-01-13.

Conditions:
Renal-hepatic-pancreatic dysplasia 1 (RHPD1). Identifiers: MedGen C3715199, MONDO:0008833, OMIM 208540.
NPHP3-related Meckel-like syndrome. Also called: GOLDSTON SYNDROME; Meckel syndrome type 7. Identifiers: Orphanet 3032, MedGen C2673885, MONDO:0009966, OMIM 267010.
Nephronophthisis 3 (NPHP3). Also called: Adolescent nephronophthisis. Identifiers: Orphanet 655, MedGen C1858392, MONDO:0011456, OMIM 604387.

Allele frequency attached by ClinVar (database versions not stated): 1000 Genomes Project 0.00060; 1000 Genomes Project 30x 0.00062; gnomAD 0.00117 and 0.00120; TOPMed 0.00133.

Submissions (3):

Illumina Laboratory Services, Illumina
Classification: Uncertain significance for Nephronophthisis 3. Last evaluated: 2018-01-13. Review status: criteria provided, single submitter. Criteria: ICSL Variant Classification Criteria 13 December 2019. Collection method: clinical testing. Allele origin: germline.

Illumina Laboratory Services, Illumina
Classification: Likely benign for Renal-hepatic-pancreatic dysplasia 1. Last evaluated: 2018-01-13. Review status: criteria provided, single submitter. Criteria: ICSL Variant Classification Criteria 13 December 2019. Collection method: clinical testing. Allele origin: germline.
Comment: This variant was observed in the ICSL laboratory as part of a predisposition screen in an ostensibly healthy population. It had not been previously curated by ICSL or reported in the Human Gene Mutation Database (HGMD: prior to June 1st, 2018), and was therefore a candidate for classification through an automated scoring system. Utilizing variant allele frequency, disease prevalence and penetrance estimates, and inheritance mode, an automated score was calculated to assess if this variant is too frequent to cause the disease. Based on the score and internal cut-off values, a variant classified as likely benign is not then subjected to further curation. The score for this variant resulted in a classification of likely benign for this disease.

Illumina Laboratory Services, Illumina
Classification: Uncertain significance for NPHP3-related Meckel-like syndrome. Last evaluated: 2018-01-13. Review status: criteria provided, single submitter. Criteria: ICSL Variant Classification Criteria 13 December 2019. Collection method: clinical testing. Allele origin: germline.